The following is an entry in ClinVar:

ClinVar aggregate classification (germline): Benign/Likely benign. Review status: criteria provided, multiple submitters, no conflicts (2 of 4 stars). 11 submissions from 11 submitters: Benign (8); Likely benign (1). 2 of the submissions do not count toward it. Last evaluated 2026-02-04.

Conditions:
Immunoglobulin-mediated membranoproliferative glomerulonephritis. Also called: NEPHROTIC SYNDROME, TYPE 7, WITH MEMBRANOPROLIFERATIVE GLOMERULONEPHRITIS; Nephrotic syndrome, type 7. Identifiers: Orphanet 329903, MedGen C3554330, MONDO:0014005, OMIM 615008.
Mesangiocapillary glomerulonephritis. Also called: Membranoproliferative glomerulonephritis. Identifiers: MedGen C0017662, MONDO:0002461, HP:0000793.

Allele frequency attached by ClinVar (database versions not stated): ESP Exome Variant Server 0.69691; 1000 Genomes Project 30x 0.69816; 1000 Genomes Project 0.69828; TOPMed 0.71687.

Submissions (12):

Labcorp Genetics (formerly Invitae), Labcorp
Classification: Benign. Last evaluated: 2026-02-04. Review status: criteria provided, single submitter. Criteria: Invitae Variant Classification Sherloc (09022015). Collection method: clinical testing. Allele origin: germline.

Genomenon, Inc
Classification: Benign for Primary membranoproliferative glomerulonephritis. Last evaluated: 2025-09-26. Review status: criteria provided, single submitter. Criteria: Genomenon Sequence Variant Interpretation Standards - Updated. Collection method: curation. Allele origin: germline. Affected: no.
Comment: DGKE p.Thr193= (c.579A>C) is a synonymous variant that retains Threonine at residue 193. This variant has been reported in the published literature (PMID:19329342;31331711). This variant is present at high allele frequency in population databases. In conclusion, we classify DGKE p.Thr193= (c.579A>C) as a benign variant.

Blueprint Genetics
Classification: Likely benign. Last evaluated: 2024-11-28. Review status: criteria provided, single submitter. Criteria: ACMG Guidelines, 2015. Collection method: clinical testing. Allele origin: germline.

Mayo Clinic Laboratories, Mayo Clinic
Classification: Benign. Last evaluated: 2022-03-10. Review status: criteria provided, single submitter. Criteria: ACMG Guidelines, 2015. Collection method: clinical testing. Allele origin: germline. Observed: 3,017 variant alleles.

Genome-Nilou Lab
Classification: Benign for Immunoglobulin-mediated membranoproliferative glomerulonephritis. Last evaluated: 2021-07-30. Review status: criteria provided, single submitter. Criteria: ACMG Guidelines, 2015. Collection method: clinical testing. Allele origin: germline. Affected: no.

Women's Health and Genetics/Laboratory Corporation of America, LabCorp
Classification: Benign. Last evaluated: 2021-07-08. Review status: criteria provided, single submitter. Criteria: LabCorp Variant Classification Summary - May 2015. Collection method: clinical testing. Allele origin: germline.

GeneDx
Classification: Benign. Last evaluated: 2018-11-10. Review status: criteria provided, single submitter. Criteria: GeneDx Variant Classification Process June 2021. Collection method: clinical testing. Allele origin: germline. Affected: yes.

Breakthrough Genomics
Classification: Benign. Review status: criteria provided, single submitter. Criteria: ACMG Guidelines, 2015. Collection method: not provided. Allele origin: germline. Inheritance: Autosomal recessive inheritance. Affected: yes.

PreventionGenetics, part of Exact Sciences
Classification: Benign. Review status: criteria provided, single submitter. Criteria: ACMG Guidelines, 2015. Collection method: clinical testing. Allele origin: germline.

Diagnostic Laboratory, Department of Genetics, University Medical Center Groningen
Classification: Benign. Review status: no assertion criteria provided. Collection method: clinical testing. Allele origin: germline. Affected: yes. Study: VKGL Data-share Consensus. Not counted in ClinVar's aggregate classification.

Dr. Peter K. Rogan Lab, Western University
No classification provided (evidence only). Condition: Familial cancer of breast. Review status: no classification provided. Collection method: in vitro. Allele origin: not applicable. Functional consequence: skipped exon. Not counted in ClinVar's aggregate classification.

Joint Genome Diagnostic Labs from Nijmegen and Maastricht, Radboudumc and MUMC+
Classification: Benign. Review status: no assertion criteria provided. Collection method: clinical testing. Allele origin: germline. Affected: yes. Study: VKGL Data-share Consensus. Not counted in ClinVar's aggregate classification.

Literature cited by the submitters: PubMed 19329342 (cited by Genomenon, Inc); PubMed 31331711 (cited by Genomenon, Inc).

NM_003647.3(DGKE):c.579A>C (p.Thr193=)

Gene: DGKE (diacylglycerol kinase epsilon; plus strand). Cytogenetic location: 17q22.
Variant type: single nucleotide variant.
Coding change: c.579A>C on transcript NM_003647.3 (MANE Select); coding-DNA position 579, A replaced by C.
Protein change: p.Thr193=; no amino-acid change (threonine 193 retained).
Molecular consequence: synonymous variant.
Genome position (GRCh38, 1-based): chr17:56,844,133, A>C. VCF-style: chr17-56844133-A-C. GRCh37 (hg19) VCF-style: chr17-54921494-A-C.
Other names: p.Thr193=.
Identifiers: ClinVar variation 259116 (VCV000259116.26), dbSNP rs3760158, ClinGen allele CA8663529.